The following is an entry in ClinVar:

NM_000080.4(CHRNE):c.127C>T (p.Arg43Trp)

Genes: C17orf107 (chromosome 17 open reading frame 107; plus strand), CHRNE (cholinergic receptor nicotinic epsilon subunit; minus strand). Cytogenetic location: 17p13.2.
Variant type: single nucleotide variant.
Coding change: c.127C>T on transcript NM_000080.4 (MANE Select); coding-DNA position 127, C replaced by T.
Protein change: p.Arg43Trp; replaces arginine 43 with tryptophan.
Molecular consequence: missense variant. On other transcripts: 3 prime UTR variant (1).
Genome position (GRCh38, 1-based): chr17:4,902,683, G>A on the plus strand (C>T on the coding strand, the complement: CHRNE is on the minus strand). VCF-style: chr17-4902683-G-A. GRCh37 (hg19) VCF-style: chr17-4805978-G-A.
Other names: c.*2150G>A (NM_001145536.2); short protein forms R43W.
Identifiers: ClinVar variation 2440060 (VCV002440060.5), dbSNP rs756429518, ClinGen allele CA287187085.

ClinVar aggregate classification (germline): Uncertain significance. Review status: criteria provided, multiple submitters, no conflicts (2 of 4 stars). 2 submissions from 2 submitters: Uncertain significance (2). Last evaluated 2024-08-04.

Conditions:
Congenital myasthenic syndrome 4A. Also called: CONGENITAL MYASTHENIC SYNDROME TYPE Ia1; Myasthenic syndrome, congenital, 4a, slow-channel; MYASTHENIC SYNDROME, CONGENITAL, 4A, SLOW-CHANNEL, AUTOSOMAL RECESSIVE. Identifiers: Orphanet 590, MedGen C4225413, MONDO:0011600, OMIM 605809.

Allele frequency attached by ClinVar (database versions not stated): gnomAD 0.00005; TOPMed 0.00005.
gnomAD v4.1: 25 of 1,613,750 alleles (0.0015%); highest among the groups gnomAD compares: Non-Finnish European, 0.002%; no homozygotes.

Submissions (2):

Labcorp Genetics (formerly Invitae), Labcorp
Classification: Uncertain significance for Congenital myasthenic syndrome 4A. Last evaluated: 2024-08-04. Review status: criteria provided, single submitter. Criteria: Invitae Variant Classification Sherloc (09022015). Collection method: clinical testing. Allele origin: germline.
Comment: This sequence change replaces arginine, which is basic and polar, with tryptophan, which is neutral and slightly polar, at codon 43 of the CHRNE protein (p.Arg43Trp). This variant is present in population databases (no rsID available, gnomAD 0.004%). This variant has not been reported in the literature in individuals affected with CHRNE-related conditions. ClinVar contains an entry for this variant (Variation ID: 2440060). Advanced modeling of protein sequence and biophysical properties (such as structural, functional, and spatial information, amino acid conservation, physicochemical variation, residue mobility, and thermodynamic stability) has been performed at Invitae for this missense variant, however the output from this modeling did not meet the statistical confidence thresholds required to predict the impact of this variant on CHRNE protein function. In summary, the available evidence is currently insufficient to determine the role of this variant in disease. Therefore, it has been classified as a Variant of Uncertain Significance.

Revvity Omics, Revvity
Classification: Uncertain significance. Last evaluated: 2019-03-19. Review status: criteria provided, single submitter. Criteria: ACMG Guidelines, 2015. Collection method: clinical testing. Allele origin: germline.